The following is an entry in ClinVar:

ClinVar aggregate classification (germline): Uncertain significance (1 of 4 stars; one submission).

Conditions:
Hereditary cancer-predisposing syndrome. Also called: Tumor predisposition; Hereditary Cancer Syndrome; Neoplastic Syndromes, Hereditary; Hereditary neoplastic syndrome. Identifiers: Orphanet 140162, MedGen C0027672, MeSH D009386, MONDO:0015356.

Submission:

Ambry Genetics
Classification: Uncertain significance for Hereditary cancer-predisposing syndrome. Last evaluated: 2022-02-24. Review status: criteria provided, single submitter. Criteria: Ambry Variant Classification Scheme 2023. Collection method: clinical testing. Allele origin: germline.
Comment: The p.K952E variant (also known as c.2854A>G), located in coding exon 18 of the ATM gene, results from an A to G substitution at nucleotide position 2854. The lysine at codon 952 is replaced by glutamic acid, an amino acid with similar properties. This amino acid position is highly conserved in available vertebrate species. In addition, the in silico prediction for this alteration is inconclusive. Since supporting evidence is limited at this time, the clinical significance of this alteration remains unclear.

NM_000051.4(ATM):c.2854A>G (p.Lys952Glu)

Gene: ATM (ATM serine/threonine kinase; plus strand). Cytogenetic location: 11q22.3.
Variant type: single nucleotide variant.
Coding change: c.2854A>G on transcript NM_000051.4 (MANE Select); coding-DNA position 2854, A replaced by G.
Protein change: p.Lys952Glu; replaces lysine 952 with glutamic acid.
Molecular consequence: missense variant.
Genome position (GRCh38, 1-based): chr11:108,271,079, A>G. VCF-style: chr11-108271079-A-G. GRCh37 (hg19) VCF-style: chr11-108141806-A-G.
Other names: c.2854A>G, p.Lys952Glu (NM_001351834.2); short protein forms K952E.
Identifiers: ClinVar variation 1796874 (VCV001796874.2), dbSNP rs2135547567, ClinGen allele CA382546736.